The following is an entry in ClinVar:

NM_001194998.2(CEP152):c.161C>A (p.Ser54Ter)

Gene: CEP152 (centrosomal protein 152; minus strand). Cytogenetic location: 15q21.1.
Variant type: single nucleotide variant.
Coding change: c.161C>A on transcript NM_001194998.2 (MANE Select); coding-DNA position 161, C replaced by A.
Protein change: p.Ser54Ter; replaces serine 54 with a stop codon.
Molecular consequence: nonsense.
Genome position (GRCh38, 1-based): chr15:48,797,978, G>T on the plus strand (C>A on the coding strand, the complement: CEP152 is on the minus strand). VCF-style: chr15-48797978-G-T. GRCh37 (hg19) VCF-style: chr15-49090175-G-T.
Other names: c.161C>A, p.Ser54Ter (NM_014985.4); short protein forms S54*.
Identifiers: ClinVar variation 2863694 (VCV002863694.3), dbSNP rs2289181, ClinGen allele CA392358569.
Genomic context (GRCh38, chr15:48,797,978, plus strand): 5'-ATACAAGTGAAAGTGACTTCAGGTGCTTACTGTCCGTCTGTGCCATCCTCGCTGCAGTCC[G>T]AATACTGGAGCTCTGGAGAGGAGAGGTCGTCATCCAGCATGTCATGGGGAAGGTCTGTGA-3'

ClinVar aggregate classification (germline): Pathogenic (1 of 4 stars; one submission).

Submission:

Labcorp Genetics (formerly Invitae), Labcorp
Classification: Pathogenic. Last evaluated: 2023-05-12. Review status: criteria provided, single submitter. Criteria: Invitae Variant Classification Sherloc (09022015). Collection method: clinical testing. Allele origin: germline.
Comment: This variant is not present in population databases (gnomAD no frequency). This sequence change creates a premature translational stop signal (p.Ser54*) in the CEP152 gene. It is expected to result in an absent or disrupted protein product. Loss-of-function variants in CEP152 are known to be pathogenic (PMID: 21131973). This variant has not been reported in the literature in individuals affected with CEP152-related conditions. For these reasons, this variant has been classified as Pathogenic.

Literature cited by the submitters: PubMed 21131973.